The following is an entry in ClinVar:

ClinVar aggregate classification (germline): Uncertain significance. Review status: criteria provided, multiple submitters, no conflicts (2 of 4 stars). 2 submissions from 2 submitters: Uncertain significance (2). Last evaluated 2025-09-08.

Allele frequency attached by ClinVar (database versions not stated): gnomAD exomes 0.00002 and 0.00004; ExAC 0.00003; gnomAD 0.00005 and 0.00006; TOPMed 0.00006.
gnomAD v4.1: 44 of 1,613,646 alleles (0.0027%); highest among the groups gnomAD compares: Admixed American, 0.0067%; no homozygotes.

Submissions (2):

Labcorp Genetics (formerly Invitae), Labcorp
Classification: Uncertain significance. Last evaluated: 2025-09-08. Review status: criteria provided, single submitter. Criteria: Invitae Variant Classification Sherloc (09022015). Collection method: clinical testing. Allele origin: germline.
Comment: This sequence change replaces arginine, which is basic and polar, with histidine, which is basic and polar, at codon 53 of the CARD8 protein (p.Arg53His). This variant is present in population databases (rs536343060, gnomAD 0.009%). This variant has not been reported in the literature in individuals affected with CARD8-related conditions. ClinVar contains an entry for this variant (Variation ID: 1426349). An algorithm developed to predict the effect of missense changes on protein structure and function outputs the following: PolyPhen-2: "Benign". The histidine amino acid residue is found in multiple mammalian species, which suggests that this missense change does not adversely affect protein function. In summary, the available evidence is currently insufficient to determine the role of this variant in disease. Therefore, it has been classified as a Variant of Uncertain Significance.

Ambry Genetics
Classification: Uncertain significance. Last evaluated: 2024-08-12. Review status: criteria provided, single submitter. Criteria: Ambry Variant Classification Scheme 2023. Collection method: clinical testing. Allele origin: germline.

NM_001184900.3(CARD8):c.308G>A (p.Arg103His)

Gene: CARD8 (caspase recruitment domain family member 8; minus strand). Cytogenetic location: 19q13.33.
Variant type: single nucleotide variant.
Coding change: c.308G>A on transcript NM_001184900.3 (MANE Select); coding-DNA position 308, G replaced by A.
Protein change: p.Arg103His; replaces arginine 103 with histidine.
Molecular consequence: missense variant. On other transcripts: 5 prime UTR variant (1), non-coding transcript variant (4).
Genome position (GRCh38, 1-based): chr19:48,234,445, C>T on the plus strand (G>A on the coding strand, the complement: CARD8 is on the minus strand). VCF-style: chr19-48234445-C-T. GRCh37 (hg19) VCF-style: chr19-48737702-C-T.
Other names: c.308G>A (NM_001184900.1); c.158G>A, p.Arg53His (NM_001184901.1, NM_001351783.2, NM_001351788.2 and 2 more transcripts); c.308G>A, p.Arg103His (NM_001184902.2, NM_001184903.1, NM_001351782.2); c.34G>A, p.Val12Met (NM_001351784.2, NM_001351787.2, NM_001351791.2 and 2 more transcripts); c.-181G>A (NM_001351786.2); c.106G>A, p.Val36Met (NM_001351790.2); short protein forms V12M, R53H, V36M, R103H.
Identifiers: ClinVar variation 1426349 (VCV001426349.9), dbSNP rs536343060, ClinGen allele CA9548099.